The following is an entry in ClinVar:

NM_000138.5(FBN1):c.3253C>T (p.Gln1085Ter)

Gene: FBN1 (fibrillin 1; minus strand). Cytogenetic location: 15q21.1.
Variant type: single nucleotide variant.
Coding change: c.3253C>T on transcript NM_000138.5 (MANE Select); coding-DNA position 3253, C replaced by T.
Protein change: p.Gln1085Ter; replaces glutamine 1085 with a stop codon.
Molecular consequence: nonsense.
Genome position (GRCh38, 1-based): chr15:48,488,197, G>A on the plus strand (C>T on the coding strand, the complement: FBN1 is on the minus strand). VCF-style: chr15-48488197-G-A. GRCh37 (hg19) VCF-style: chr15-48780394-G-A.
Other names: short protein forms Q1085*.
Identifiers: ClinVar variation 449815 (VCV000449815.5), dbSNP rs1555398640, ClinGen allele CA392327480.
Genomic context (GRCh38, chr15:48,488,197, plus strand): 5'-ATCCACTTTCATAGCCTTCGTCACACTTGCATTCAAAGTCCCCAGGGGTGTTCACACACT[G>A]GCCTCTGCCACAGAGGTCAGGAGATATGCGGCATTCGTCAATGTCTGCACAAAAACAGCA-3'

ClinVar aggregate classification (germline): Pathogenic. Review status: criteria provided, multiple submitters, no conflicts (2 of 4 stars). 2 submissions from 2 submitters: Pathogenic (2). Last evaluated 2022-11-03.

Conditions:
Marfan syndrome (MFS). Also called: MARFAN SYNDROME, TYPE I; FBN1-Related Marfan Syndrome; Marfan syndrome type 1; Marfan's syndrome; Marfan syndrome, classic. Identifiers: Orphanet 284963, Orphanet 558, MedGen C0024796, MONDO:0007947, OMIM 154700.
Familial thoracic aortic aneurysm and aortic dissection (TAAD). Also called: Thoracic aortic aneurysms and dissections. Identifiers: Orphanet 91387, MedGen C4707243, MONDO:0019625.

Submissions (2):

Labcorp Genetics (formerly Invitae), Labcorp
Classification: Pathogenic for Marfan syndrome; Familial thoracic aortic aneurysm and aortic dissection. Last evaluated: 2022-11-03. Review status: criteria provided, single submitter. Criteria: Invitae Variant Classification Sherloc (09022015). Collection method: clinical testing. Allele origin: germline.
Comment: For these reasons, this variant has been classified as Pathogenic. ClinVar contains an entry for this variant (Variation ID: 449815). This variant has not been reported in the literature in individuals affected with FBN1-related conditions. This variant is not present in population databases (gnomAD no frequency). This sequence change creates a premature translational stop signal (p.Gln1085*) in the FBN1 gene. It is expected to result in an absent or disrupted protein product. Loss-of-function variants in FBN1 are known to be pathogenic (PMID: 17657824, 19293843).

GeneDx
Classification: Pathogenic. Last evaluated: 2017-10-10. Review status: criteria provided, single submitter. Criteria: GeneDx Variant Classification (06012015). Collection method: clinical testing. Allele origin: germline. Affected: yes.
Comment: The Q1085X pathogenic variant in the FBN1 gene has not been reported as a pathogenic variant or as a benign variant to our knowledge. Q1085X is predicted to cause loss of normal protein function either by protein truncation or nonsense-mediated mRNA decay. Multiple other downstream nonsense variants in the FBN1 gene have been reported in HGMD in association with Marfan syndrome or other FBN1-related disorders (Stenson et al., 2014). Furthermore, the Q1085X pathogenic variant is not observed in large population cohorts (Lek et al., 2016).

Literature cited by the submitters: PubMed 17657824 (cited by Labcorp Genetics (formerly Invitae), Labcorp); PubMed 19293843 (cited by Labcorp Genetics (formerly Invitae), Labcorp).